The following is an entry in ClinVar:

ClinVar aggregate classification (germline): Uncertain significance (1 of 4 stars; one submission).

Conditions:
Cardiovascular phenotype. Identifiers: MedGen CN230736.

Submission:

Ambry Genetics
Classification: Uncertain significance for Cardiovascular phenotype. Last evaluated: 2025-06-05. Review status: criteria provided, single submitter. Criteria: Ambry Variant Classification Scheme 2023. Collection method: clinical testing. Allele origin: germline.
Comment: The p.S185F variant (also known as c.554C>T), located in coding exon 6 of the EMD gene, results from a C to T substitution at nucleotide position 554. The serine at codon 185 is replaced by phenylalanine, an amino acid with highly dissimilar properties. This amino acid position is not well conserved in available vertebrate species. In addition, this alteration is predicted to be tolerated by in silico analysis. Based on data from gnomAD, the T allele has an overall frequency of 0.0005% (1/183008) total alleles studied, with 1 hemizygote(s) observed. The highest observed frequency was 0.0012% (1/81768) of European (non-Finnish) alleles. Based on the available evidence, the clinical significance of this variant remains unclear.

NM_000117.3(EMD):c.554C>T (p.Ser185Phe)

Gene: EMD (emerin; plus strand). Cytogenetic location: Xq28.
Variant type: single nucleotide variant.
Coding change: c.554C>T on transcript NM_000117.3 (MANE Select); coding-DNA position 554, C replaced by T.
Protein change: p.Ser185Phe; replaces serine 185 with phenylalanine.
Molecular consequence: missense variant.
Genome position (GRCh38, 1-based): chrX:154,380,986, C>T. VCF-style: chrX-154380986-C-T. GRCh37 (hg19) VCF-style: chrX-153609346-C-T.
Other names: short protein forms S185F.
Identifiers: ClinVar variation 4017740 (VCV004017740.1).
Genomic context (GRCh38, chrX:154,380,986, plus strand): 5'-CGCACTACCGCCCTGTTTCAGCCTCCAGGAGCTCCCTGGACCTGTCCTATTATCCTACTT[C>T]CTCCTCCACCTCTTTTATGTCCTCCTCATCATCTTCCTCTTCATGGCTCACCCGCCGTGC-3'
Protein context (NP_000108.1, residues 175-195): SSLDLSYYPT[Ser185Phe]SSTSFMSSSS